The following is an entry in ClinVar:

ClinVar aggregate classification (germline): Likely pathogenic. Review status: criteria provided, single submitter (1 of 4 stars). 2 submissions from 2 submitters: Likely pathogenic (1). 1 of the submissions does not count toward it. Last evaluated 2023-10-27.

Conditions:
Primary hyperoxaluria, type II (HP2). Also called: Primary hyperoxaluria type 2; GLYCERIC ACIDURIA; GLYOXYLATE REDUCTASE/HYDROXYPYRUVATE REDUCTASE DEFICIENCY; OXALOSIS II; D-GLYCERATE DEHYDROGENASE DEFICIENCY. Identifiers: Orphanet 416, Orphanet 93599, MedGen C0268165, MONDO:0009824, OMIM 260000. Disease mechanism: loss of function.

Submissions (2):

Clinical Biochemistry Laboratory, Health Services Laboratory
Classification: Likely pathogenic for Primary hyperoxaluria, type II. Last evaluated: 2023-10-27. Review status: criteria provided, single submitter. Criteria: ACMG Guidelines, 2015. Collection method: curation. Allele origin: germline. Affected: yes.
Comment: ACMG:PVS1 PM2

Gharavi Laboratory, Columbia University
Classification: Uncertain significance. Last evaluated: 2018-09-16. Review status: no assertion criteria provided. Criteria: ACMG Guidelines, 2015. Collection method: research. Allele origin: germline. Affected: yes. Not counted in ClinVar's aggregate classification.

NM_012203.2(GRHPR):c.287+2T>C

Gene: GRHPR (glyoxylate and hydroxypyruvate reductase; plus strand). Cytogenetic location: 9p13.2.
Variant type: single nucleotide variant.
Coding change: c.287+2T>C on transcript NM_012203.2 (MANE Select); the canonical splice donor site of the intron after coding-DNA position 287, T replaced by C.
Molecular consequence: splice donor variant.
Genome position (GRCh38, 1-based): chr9:37,425,996, T>C. VCF-style: chr9-37425996-T-C. GRCh37 (hg19) VCF-style: chr9-37425993-T-C.
Identifiers: ClinVar variation 591504 (VCV000591504.2), dbSNP rs1564297234, ClinGen allele CA373442362.